The following is an entry in ClinVar:

ClinVar aggregate classification (germline): Uncertain significance. Review status: criteria provided, multiple submitters, no conflicts (2 of 4 stars). 2 submissions from 2 submitters: Uncertain significance (2). Last evaluated 2024-04-17.

Conditions:
Primary ciliary dyskinesia. Also called: Ciliary dyskinesia. Identifiers: Orphanet 244, MedGen C0008780, MONDO:0016575, HP:0012265.

Allele frequency attached by ClinVar (database versions not stated): gnomAD exomes below 0.00001; TOPMed below 0.00001; gnomAD 0.00001; ExAC 0.00002.
gnomAD v4.1: 12 of 1,614,168 alleles (0.00074%); highest among the groups gnomAD compares: East Asian, 0.013%; no homozygotes.

Submissions (2):

Ambry Genetics
Classification: Uncertain significance for Primary ciliary dyskinesia. Last evaluated: 2024-04-17. Review status: criteria provided, single submitter. Criteria: Ambry Variant Classification Scheme 2023. Collection method: clinical testing. Allele origin: germline.

Labcorp Genetics (formerly Invitae), Labcorp
Classification: Uncertain significance for Primary ciliary dyskinesia. Last evaluated: 2022-08-22. Review status: criteria provided, single submitter. Criteria: Invitae Variant Classification Sherloc (09022015). Collection method: clinical testing. Allele origin: germline.
Comment: This sequence change replaces glutamic acid, which is acidic and polar, with lysine, which is basic and polar, at codon 927 of the CCDC40 protein (p.Glu927Lys). This variant is present in population databases (rs748652606, gnomAD 0.02%). This variant has not been reported in the literature in individuals affected with CCDC40-related conditions. Algorithms developed to predict the effect of missense changes on protein structure and function are either unavailable or do not agree on the potential impact of this missense change (SIFT: "Deleterious"; PolyPhen-2: "Benign"; Align-GVGD: "Class C0"). In summary, the available evidence is currently insufficient to determine the role of this variant in disease. Therefore, it has been classified as a Variant of Uncertain Significance.

NM_017950.4(CCDC40):c.2779G>A (p.Glu927Lys)

Gene: CCDC40 (coiled-coil domain 40 molecular ruler complex subunit; plus strand). Cytogenetic location: 17q25.3.
Variant type: single nucleotide variant.
Coding change: c.2779G>A on transcript NM_017950.4 (MANE Select); coding-DNA position 2779, G replaced by A.
Protein change: p.Glu927Lys; replaces glutamic acid 927 with lysine.
Molecular consequence: missense variant.
Genome position (GRCh38, 1-based): chr17:80,089,831, G>A. VCF-style: chr17-80089831-G-A. GRCh37 (hg19) VCF-style: chr17-78063630-G-A.
Other names: c.2779G>A, p.Glu927Lys (NM_001243342.2); c.2779G>A (NM_017950.3); short protein forms E927K.
Identifiers: ClinVar variation 2049846 (VCV002049846.2), dbSNP rs748652606, ClinGen allele CA8814338.
Genomic context (GRCh38, chr17:80,089,831, plus strand): 5'-ATTATGCTTTGGGAGAAAAAAATCCAACTGGCAAAAGAGATGCGTTCCTCAGTGGATTCC[G>A]AGATCGGCCAGACGGAGATCCGGGCCATGAAGGGCGAGATCCACAGGATGAAGGTGAGGG-3'
Protein context (NP_060420.2, residues 917-937): AKEMRSSVDS[Glu927Lys]IGQTEIRAMK